The following is an entry in ClinVar:

ClinVar aggregate classification (germline): Benign/Likely benign. Review status: criteria provided, multiple submitters, no conflicts (2 of 4 stars). 7 submissions from 7 submitters: Benign (4); Likely benign (3). Last evaluated 2026-05-01.

Conditions:
D-2-hydroxyglutaric aciduria 1 (D2HGA1). Identifiers: Orphanet 79315, MedGen C3152055, MONDO:0024554, OMIM 600721.

Allele frequency attached by ClinVar (database versions not stated): 1000 Genomes Project 30x 0.00125; 1000 Genomes Project 0.00140; TOPMed 0.00614; ESP Exome Variant Server 0.00823; gnomAD 0.00900 and 0.00949; gnomAD exomes 0.00939 and 0.01161; ExAC 0.00948.
gnomAD v4.1: 18,131 of 1,613,932 alleles (1.1%); highest among the groups gnomAD compares: Non-Finnish European, 1.3%; 157 homozygotes.

Submissions (7):

CeGaT Center for Human Genetics Tuebingen
Classification: Benign. Last evaluated: 2026-05-01. Review status: criteria provided, single submitter. Criteria: CeGaT Center For Human Genetics Tuebingen Variant Classification Criteria Version 2. Collection method: clinical testing. Allele origin: germline. Affected: yes. Observed: 9 variant alleles.
Comment: D2HGDH: BP4, BS1, BS2

Labcorp Genetics (formerly Invitae), Labcorp
Classification: Benign for D-2-hydroxyglutaric aciduria 1. Last evaluated: 2026-02-02. Review status: criteria provided, single submitter. Criteria: Invitae Variant Classification Sherloc (09022015). Collection method: clinical testing. Allele origin: germline.

Mayo Clinic Laboratories, Mayo Clinic
Classification: Benign. Last evaluated: 2018-09-25. Review status: criteria provided, single submitter. Criteria: ACMG Guidelines, 2015. Collection method: clinical testing. Allele origin: germline. Observed: 16 variant alleles.

Illumina Laboratory Services, Illumina
Classification: Benign for D-2-hydroxyglutaric aciduria 1. Last evaluated: 2018-01-13. Review status: criteria provided, single submitter. Criteria: ICSL Variant Classification Criteria 13 December 2019. Collection method: clinical testing. Allele origin: germline.
Comment: This variant was observed in the ICSL laboratory as part of a predisposition screen in an ostensibly healthy population. It had not been previously curated by ICSL or reported in the Human Gene Mutation Database (HGMD: prior to June 1st, 2018), and was therefore a candidate for classification through an automated scoring system. Utilizing variant allele frequency, disease prevalence and penetrance estimates, and inheritance mode, an automated score was calculated to assess if this variant is too frequent to cause the disease. Based on the score and internal cut-off values, a variant classified as benign is not then subjected to further curation. The score for this variant resulted in a classification of benign for this disease.

Center for Pediatric Genomic Medicine, Children's Mercy Hospital and Clinics
Classification: Likely benign. Last evaluated: 2017-03-09. Review status: criteria provided, single submitter. Criteria: ACMG Guidelines, 2015. Collection method: clinical testing. Allele origin: germline.

Genetic Services Laboratory, University of Chicago
Classification: Likely benign. Last evaluated: 2015-06-29. Review status: criteria provided, single submitter. Criteria: ACMG Guidelines, 2015. Collection method: clinical testing. Allele origin: germline.

Breakthrough Genomics
Classification: Likely benign. Review status: criteria provided, single submitter. Criteria: ACMG Guidelines, 2015. Collection method: not provided. Allele origin: germline. Inheritance: Autosomal recessive inheritance. Affected: yes.

NM_152783.5(D2HGDH):c.1063G>A (p.Gly355Ser)

Gene: D2HGDH (D-2-hydroxyglutarate dehydrogenase; plus strand). Cytogenetic location: 2q37.3.
Variant type: single nucleotide variant.
Coding change: c.1063G>A on transcript NM_152783.5 (MANE Select); coding-DNA position 1063, G replaced by A.
Protein change: p.Gly355Ser; replaces glycine 355 with serine.
Molecular consequence: missense variant.
Genome position (GRCh38, 1-based): chr2:241,751,311, G>A. VCF-style: chr2-241751311-G-A. GRCh37 (hg19) VCF-style: chr2-242690726-G-A.
Other names: p.Gly355Ser; c.661G>A, p.Gly221Ser (NM_001287249.2); c.502G>A, p.Gly168Ser (NM_001352824.2); short protein forms G355S, G221S, G168S.
Identifiers: ClinVar variation 210810 (VCV000210810.51), dbSNP rs139321130, ClinGen allele CA207099.